The following is an entry in ClinVar:

NM_001079872.2(CUL4B):c.2345A>G (p.Lys782Arg)

Gene: CUL4B (cullin 4B; minus strand). Cytogenetic location: Xq24.
Variant type: single nucleotide variant.
Coding change: c.2345A>G on transcript NM_001079872.2 (MANE Select); coding-DNA position 2345, A replaced by G.
Protein change: p.Lys782Arg; replaces lysine 782 with arginine.
Molecular consequence: missense variant.
Genome position (GRCh38, 1-based): chrX:120,532,516, T>C on the plus strand (A>G on the coding strand, the complement: CUL4B is on the minus strand). VCF-style: chrX-120532516-T-C. GRCh37 (hg19) VCF-style: chrX-119666371-T-C.
Other names: c.1811A>G, p.Lys604Arg (NM_001369145.1); c.2399A>G, p.Lys800Arg (NM_003588.4); c.2360A>G, p.Lys787Arg (NM_001330624.2); short protein forms K604R, K782R, K787R, K800R.
Identifiers: ClinVar variation 3344273 (VCV003344273.1).

ClinVar aggregate classification (germline): Uncertain significance (0 of 4 stars; one submission).

Conditions:
CUL4B-related disorder. Also called: CUL4B-related condition.

Submission:

PreventionGenetics, part of Exact Sciences
Classification: Uncertain significance for CUL4B-related condition. Last evaluated: 2024-07-18. Review status: no assertion criteria provided. Collection method: clinical testing. Allele origin: germline.
Comment: The CUL4B c.2399A>G variant is predicted to result in the amino acid substitution p.Lys800Arg. To our knowledge, this variant has not been reported in the literature or in a large population database, indicating this variant is rare. At this time, the clinical significance of this variant is uncertain due to the absence of conclusive functional and genetic evidence.